The following is an entry in ClinVar:

NM_000059.4(BRCA2):c.2735C>G (p.Thr912Arg)

Gene: BRCA2 (BRCA2 DNA repair associated; plus strand). Cytogenetic location: 13q13.1.
Variant type: single nucleotide variant.
Coding change: c.2735C>G on transcript NM_000059.4 (MANE Select); coding-DNA position 2735, C replaced by G.
Protein change: p.Thr912Arg; replaces threonine 912 with arginine.
Molecular consequence: missense variant. On other transcripts: non-coding transcript variant (1), intron variant (2).
Genome position (GRCh38, 1-based): chr13:32,337,090, C>G. VCF-style: chr13-32337090-C-G. GRCh37 (hg19) VCF-style: chr13-32911227-C-G.
Other names: c.2735C>G, p.Thr912Arg (NM_001406719.1, NM_001406720.1, NM_001432077.1); c.1909+3703C>G (NM_001406721.1); c.424+6060C>G (NM_001406722.1); short protein forms T912R.
Identifiers: ClinVar variation 3636442 (VCV003636442.2).
Genomic context (GRCh38, chr13:32,337,090, plus strand): 5'-TCCAAGTAGCTAATGAAAGGAATAATCTTGCTTTAGGAAATACTAAGGAACTTCATGAAA[C>G]AGACTTGACTTGTGTAAACGAACCCATTTTCAAGAACTCTACCATGGTTTTATATGGAGA-3'
Protein context (NP_000050.3, residues 902-922): ALGNTKELHE[Thr912Arg]DLTCVNEPIF

ClinVar aggregate classification (germline): Uncertain significance (1 of 4 stars; one submission).

Conditions:
Hereditary breast ovarian cancer syndrome. Also called: Hereditary breast and ovarian cancer syndrome; Hereditary breast and ovarian cancer syndrome (HBOC); BRCA1- and BRCA2-Associated Hereditary Breast and Ovarian Cancer; Hereditary breast and ovarian cancer; Breast and ovarian cancer; Hereditary breast and/or ovarian cancer syndrome. Identifiers: Orphanet 145, MedGen C0677776, MeSH D061325, MONDO:0003582. Disease mechanism: loss of function.

gnomAD v4.1: 2 of 1,612,236 alleles (0.00012%); highest among the groups gnomAD compares: East Asian, 0.0022%; no homozygotes.

Submission:

Labcorp Genetics (formerly Invitae), Labcorp
Classification: Uncertain significance for Hereditary breast ovarian cancer syndrome. Last evaluated: 2024-02-11. Review status: criteria provided, single submitter. Criteria: Invitae Variant Classification Sherloc (09022015). Collection method: clinical testing. Allele origin: germline.
Comment: This sequence change replaces threonine, which is neutral and polar, with arginine, which is basic and polar, at codon 912 of the BRCA2 protein (p.Thr912Arg). This variant is present in population databases (rs276174828, gnomAD 0.006%). This variant has not been reported in the literature in individuals affected with BRCA2-related conditions. Advanced modeling of protein sequence and biophysical properties (such as structural, functional, and spatial information, amino acid conservation, physicochemical variation, residue mobility, and thermodynamic stability) performed at Invitae indicates that this missense variant is not expected to disrupt BRCA2 protein function with a negative predictive value of 95%. In summary, the available evidence is currently insufficient to determine the role of this variant in disease. Therefore, it has been classified as a Variant of Uncertain Significance.